The following is an entry in ClinVar:

NM_014956.5(CEP164):c.412G>A (p.Ala138Thr)

Gene: CEP164 (centrosomal protein 164; plus strand). Cytogenetic location: 11q23.3.
Variant type: single nucleotide variant.
Coding change: c.412G>A on transcript NM_014956.5 (MANE Select); coding-DNA position 412, G replaced by A.
Protein change: p.Ala138Thr; replaces alanine 138 with threonine.
Molecular consequence: missense variant.
Genome position (GRCh38, 1-based): chr11:117,361,853, G>A. VCF-style: chr11-117361853-G-A. GRCh37 (hg19) VCF-style: chr11-117232569-G-A.
Other names: c.412G>A, p.Ala138Thr (NM_001271933.2); short protein forms A138T.
Identifiers: ClinVar variation 2186656 (VCV002186656.2), dbSNP rs908786819, ClinGen allele CA229385064.

ClinVar aggregate classification (germline): Uncertain significance (1 of 4 stars; one submission).

Conditions:
Nephronophthisis 15 (NPHP15). Identifiers: Orphanet 3156, MedGen C3541853, MONDO:0013917, OMIM 614845.

Allele frequency attached by ClinVar (database versions not stated): TOPMed 0.00002; gnomAD 0.00003; gnomAD exomes 0.00003.
gnomAD v4.1: 53 of 1,614,106 alleles (0.0033%); highest among the groups gnomAD compares: Non-Finnish European, 0.0045%; no homozygotes.

Submission:

Labcorp Genetics (formerly Invitae), Labcorp
Classification: Uncertain significance for Nephronophthisis 15. Last evaluated: 2025-03-17. Review status: criteria provided, single submitter. Criteria: Invitae Variant Classification Sherloc (09022015). Collection method: clinical testing. Allele origin: germline.
Comment: This sequence change replaces alanine, which is neutral and non-polar, with threonine, which is neutral and polar, at codon 138 of the CEP164 protein (p.Ala138Thr). This variant is present in population databases (no rsID available, gnomAD 0.005%). This variant has not been reported in the literature in individuals affected with CEP164-related conditions. ClinVar contains an entry for this variant (Variation ID: 2186656). An algorithm developed to predict the effect of missense changes on protein structure and function (PolyPhen-2) suggests that this variant is likely to be disruptive. In summary, the available evidence is currently insufficient to determine the role of this variant in disease. Therefore, it has been classified as a Variant of Uncertain Significance.